The following is an entry in ClinVar:

NM_015192.4(PLCB1):c.3336+60G>A

Gene: PLCB1 (phospholipase C beta 1; plus strand). Cytogenetic location: 20p12.3.
Variant type: single nucleotide variant.
Coding change: c.3336+60G>A on transcript NM_015192.4 (MANE Select); 60 bases into the intron after coding-DNA position 3336, G replaced by A.
Molecular consequence: intron variant.
Genome position (GRCh38, 1-based): chr20:8,789,635, G>A. VCF-style: chr20-8789635-G-A. GRCh37 (hg19) VCF-style: chr20-8770282-G-A.
Other names: c.3336+60G>A (NM_182734.3).
Identifiers: ClinVar variation 1295429 (VCV001295429.5), dbSNP rs6039269, ClinGen allele CA14769049.

ClinVar aggregate classification (germline): Benign. Review status: criteria provided, multiple submitters, no conflicts (2 of 4 stars). 3 submissions from 3 submitters: Benign (3). Last evaluated 2024-07-15.

Allele frequency attached by ClinVar (database versions not stated): gnomAD 0.31451 and 0.31719; TOPMed 0.31617; 1000 Genomes Project 30x 0.32042; 1000 Genomes Project 0.32368; ESP Exome Variant Server 0.32830.
gnomAD v4.1: 386,526 of 1,228,444 alleles (31%); highest among the groups gnomAD compares: Middle Eastern, 43%; 61,999 homozygotes.

Submissions (3):

Unidad de Genómica Garrahan, Hospital de Pediatría Garrahan
Classification: Benign. Last evaluated: 2024-07-15. Review status: criteria provided, single submitter. Criteria: ACMG Guidelines, 2015. Collection method: clinical testing. Allele origin: germline. Affected: no. Observed: 35 variant alleles.
Comment: This variant is classified as Benign based on local population frequency. This variant was detected in 38% of patients studied in a panel designed for Epileptic and Developmental Encephalopathy and Progressive Myoclonus Epilepsy. Number of patients: 35. Only high quality variants are reported.

GeneDx
Classification: Benign. Last evaluated: 2020-11-20. Review status: criteria provided, single submitter. Criteria: GeneDx Variant Classification Process June 2021. Collection method: clinical testing. Allele origin: germline. Affected: yes.

Breakthrough Genomics
Classification: Benign. Review status: criteria provided, single submitter. Criteria: ACMG Guidelines, 2015. Collection method: not provided. Allele origin: germline. Inheritance: Autosomal recessive inheritance. Affected: yes.